The following is an entry in ClinVar:

ClinVar aggregate classification (germline): Uncertain significance (1 of 4 stars; one submission).

Allele frequency attached by ClinVar (database versions not stated): gnomAD exomes 0.00001; ExAC 0.00002.
gnomAD v4.1: 8 of 1,613,940 alleles (0.0005%); highest among the groups gnomAD compares: Middle Eastern, 0.049%; no homozygotes.

Submission:

Labcorp Genetics (formerly Invitae), Labcorp
Classification: Uncertain significance. Last evaluated: 2023-02-21. Review status: criteria provided, single submitter. Criteria: Invitae Variant Classification Sherloc (09022015). Collection method: clinical testing. Allele origin: germline.
Comment: In summary, the available evidence is currently insufficient to determine the role of this variant in disease. Therefore, it has been classified as a Variant of Uncertain Significance. An algorithm developed to predict the effect of missense changes on protein structure and function (PolyPhen-2) suggests that this variant is likely to be disruptive. This variant has not been reported in the literature in individuals affected with KLHDC8B-related conditions. This variant is present in population databases (rs765576569, gnomAD 0.003%). This sequence change replaces serine, which is neutral and polar, with leucine, which is neutral and non-polar, at codon 56 of the KLHDC8B protein (p.Ser56Leu).

NM_173546.3(KLHDC8B):c.167C>T (p.Ser56Leu)

Gene: KLHDC8B (kelch domain containing 8B; plus strand). Cytogenetic location: 3p21.31.
Variant type: single nucleotide variant.
Coding change: c.167C>T on transcript NM_173546.3 (MANE Select); coding-DNA position 167, C replaced by T.
Protein change: p.Ser56Leu; replaces serine 56 with leucine.
Molecular consequence: missense variant.
Genome position (GRCh38, 1-based): chr3:49,172,936, C>T. VCF-style: chr3-49172936-C-T. GRCh37 (hg19) VCF-style: chr3-49210369-C-T.
Other names: short protein forms S56L.
Identifiers: ClinVar variation 3007240 (VCV003007240.3), dbSNP rs765576569, ClinGen allele CA2395440.